The following is an entry in ClinVar:

NM_000135.4(FANCA):c.1904C>T (p.Ala635Val)

Gene: FANCA (FA complementation group A; minus strand). Cytogenetic location: 16q24.3.
Variant type: single nucleotide variant.
Coding change: c.1904C>T on transcript NM_000135.4 (MANE Select); coding-DNA position 1904, C replaced by T.
Protein change: p.Ala635Val; replaces alanine 635 with valine.
Molecular consequence: missense variant.
Genome position (GRCh38, 1-based): chr16:89,773,381, G>A on the plus strand (C>T on the coding strand, the complement: FANCA is on the minus strand). VCF-style: chr16-89773381-G-A. GRCh37 (hg19) VCF-style: chr16-89839789-G-A.
Other names: c.1904C>T (LRG_495t1); c.1904C>T, p.Ala635Val (NM_001286167.3); short protein forms A635V.
Identifiers: ClinVar variation 526402 (VCV000526402.22), dbSNP rs142217479, ClinGen allele CA8251971.
Genomic context (GRCh38, chr16:89,773,381, plus strand): 5'-GCTGTGAGCTGTCCCAGGGGCTCCTCAGCAGAGTTGGGTTCTGCCCTCACTCCCAGGGCT[G>A]CATCTGTGAGAAGAAGGAAGAAACCAGATGGAAAGACACTCAACAGGACTCTTCACTGCA-3'
Protein context (NP_000126.2, residues 625-645): CSAAEEKPED[Ala635Val]ALGVRAEPNS

ClinVar aggregate classification (germline): Conflicting classifications of pathogenicity. Review status: criteria provided, conflicting classifications (1 of 4 stars). 8 submissions from 8 submitters: Uncertain significance (4); Likely benign (2). 2 of the submissions do not count toward it. Last evaluated 2026-01-22.

Conditions:
Fanconi anemia (FA). Also called: Fanconi's anemia. Identifiers: Orphanet 84, MedGen C0015625, MeSH D005199, MONDO:0019391.
Fanconi anemia complementation group A (FANCA). Also called: FANCA-Related Fanconi Anemia; Fanconi anemia, group A. Identifiers: Orphanet 84, MedGen C3469521, MONDO:0009215, OMIM 227650.
FANCA-related disorder. Also called: FANCA-related condition.

Allele frequency attached by ClinVar (database versions not stated): ESP Exome Variant Server 0.00026; ExAC 0.00030; gnomAD exomes 0.00009; 1000 Genomes Project 30x 0.00047; TOPMed 0.00033; gnomAD 0.00037; 1000 Genomes Project 0.00060.
gnomAD v4.1: 95 of 1,548,994 alleles (0.0061%); highest among the groups gnomAD compares: African/African-American, 0.12%; no homozygotes.

Submissions (8):

Labcorp Genetics (formerly Invitae), Labcorp
Classification: Likely benign for Fanconi anemia. Last evaluated: 2026-01-22. Review status: criteria provided, single submitter. Criteria: Invitae Variant Classification Sherloc (09022015). Collection method: clinical testing. Allele origin: germline.

Dasa
Classification: Uncertain significance. Last evaluated: 2026-01-19. Review status: criteria provided, single submitter. Criteria: DASA Assertion Criteria. Collection method: clinical testing. Allele origin: germline.
Comment: NM_000135.4(FANCA):c.1904C>T (p.Ala635Val) is a missense variant that results in the substitution of alanine with valine. This variant is rare in population databases. Computational prediction algorithms are consistent with a benign effect. The currently available literature and clinical evidence are not sufficient to establish a definitive association between this variant and the reported condition. Therefore, this variant is classified as a variant of uncertain significance.

St. Jude Molecular Pathology, St. Jude Children's Research Hospital
Classification: Uncertain significance for Fanconi anemia complementation group A. Last evaluated: 2024-06-03. Review status: criteria provided, single submitter. Criteria: St. Jude Assertion Criteria 2020. Collection method: clinical testing. Allele origin: germline.
Comment: The FANCA c.1904C>T (p.Ala635Val) missense change has a maximum subpopulation frequency of 0.15% in gnomAD v2.1.1. The in silico tool REVEL predicts a benign effect on protein function, but to our knowledge this prediction has not been confirmed by functional studies. To our knowledge, this variant has not been reported in individuals with Fanconi anemia. In summary, the evidence currently available is insufficient to determine the clinical significance of this variant. It has therefore been classified as of uncertain significance.

Fulgent Genetics
Classification: Likely benign for Fanconi anemia complementation group A. Last evaluated: 2024-02-08. Review status: criteria provided, single submitter. Criteria: ACMG Guidelines, 2015. Collection method: clinical testing. Allele origin: germline.

GeneDx
Classification: Uncertain significance. Last evaluated: 2019-06-28. Review status: criteria provided, single submitter. Criteria: GeneDx Variant Classification Process June 2021. Collection method: clinical testing. Allele origin: germline. Affected: yes.
Comment: In silico analysis, which includes protein predictors and evolutionary conservation, supports that this variant does not alter protein structure/function; This variant is associated with the following publications: (PMID: 26580448, 28215707)

Illumina Laboratory Services, Illumina
Classification: Uncertain significance for Fanconi anemia complementation group A. Last evaluated: 2018-01-12. Review status: criteria provided, single submitter. Criteria: ICSL Variant Classification Criteria 13 December 2019. Collection method: clinical testing. Allele origin: germline.

PreventionGenetics, part of Exact Sciences
Classification: Likely benign for FANCA-related condition. Last evaluated: 2022-09-30. Review status: no assertion criteria provided. Collection method: clinical testing. Allele origin: germline. Not counted in ClinVar's aggregate classification.
Comment: This variant is classified as likely benign based on ACMG/AMP sequence variant interpretation guidelines (Richards et al. 2015 PMID: 25741868, with internal and published modifications).

Natera, Inc.
Classification: Uncertain significance for Fanconi anemia. Last evaluated: 2020-02-07. Review status: no assertion criteria provided. Collection method: clinical testing. Allele origin: germline. Not counted in ClinVar's aggregate classification.